The following is an entry in ClinVar:

NM_014629.4(ARHGEF10):c.677C>A (p.Pro226Gln)

Gene: ARHGEF10 (Rho guanine nucleotide exchange factor 10; plus strand). Cytogenetic location: 8p23.3.
Variant type: single nucleotide variant.
Coding change: c.677C>A on transcript NM_014629.4 (MANE Select); coding-DNA position 677, C replaced by A.
Protein change: p.Pro226Gln; replaces proline 226 with glutamine.
Molecular consequence: missense variant.
Genome position (GRCh38, 1-based): chr8:1,869,248, C>A. VCF-style: chr8-1869248-C-A. GRCh37 (hg19) VCF-style: chr8-1817414-C-A.
Other names: c.680C>A, p.Pro227Gln (NM_001308152.2, NM_001308153.3); short protein forms P226Q, P227Q, P251Q.
Identifiers: ClinVar variation 2621676 (VCV002621676.9), dbSNP rs1313244620, ClinGen allele CA369957841.
Genomic context (GRCh38, chr8:1,869,248, plus strand): 5'-TTGCAGATCCAGAGGAAGCAATTTACGATGACGTTCCAAGGGAAAACTCAGACTCTGAAC[C>A]AGGTTTGATTTTGTCTGGAATTGATTTGAGGAGATTCAGCTCAGCAGCCTTTCCCTCTGG-3'
Protein context (NP_055444.2, residues 216-236): DVPRENSDSE[Pro226Gln]DEMIYDDVEN

ClinVar aggregate classification (germline): Uncertain significance. Review status: criteria provided, multiple submitters, no conflicts (2 of 4 stars). 3 submissions from 3 submitters: Uncertain significance (3). Last evaluated 2026-01-01.

Submissions (3):

CeGaT Center for Human Genetics Tuebingen
Classification: Uncertain significance. Last evaluated: 2026-01-01. Review status: criteria provided, single submitter. Criteria: CeGaT Center For Human Genetics Tuebingen Variant Classification Criteria Version 2. Collection method: clinical testing. Allele origin: germline. Affected: yes. Observed: 1 variant allele.
Comment: ARHGEF10: PM2

Labcorp Genetics (formerly Invitae), Labcorp
Classification: Uncertain significance. Last evaluated: 2024-10-17. Review status: criteria provided, single submitter. Criteria: Invitae Variant Classification Sherloc (09022015). Collection method: clinical testing. Allele origin: germline.
Comment: This sequence change replaces proline, which is neutral and non-polar, with glutamine, which is neutral and polar, at codon 226 of the ARHGEF10 protein (p.Pro226Gln). This variant is not present in population databases (gnomAD no frequency). This variant has not been reported in the literature in individuals affected with ARHGEF10-related conditions. ClinVar contains an entry for this variant (Variation ID: 2621676). An algorithm developed to predict the effect of missense changes on protein structure and function (PolyPhen-2) suggests that this variant is likely to be disruptive. In summary, the available evidence is currently insufficient to determine the role of this variant in disease. Therefore, it has been classified as a Variant of Uncertain Significance.

Ambry Genetics
Classification: Uncertain significance. Last evaluated: 2023-08-28. Review status: criteria provided, single submitter. Criteria: Ambry Variant Classification Scheme 2023. Collection method: clinical testing. Allele origin: germline.